The following is an entry in ClinVar:

ClinVar aggregate classification (germline): Uncertain significance. Review status: criteria provided, multiple submitters, no conflicts (2 of 4 stars). 2 submissions from 2 submitters: Uncertain significance (2). Last evaluated 2025-07-21.

Conditions:
Cardiovascular phenotype. Identifiers: MedGen CN230736.
Capillary malformation-arteriovenous malformation syndrome. Also called: Capillary malformation-arteriovenous malformation. Identifiers: Orphanet 137667, MedGen C1842180, MONDO:0012016.

Allele frequency attached by ClinVar (database versions not stated): gnomAD exomes 0.00001.
gnomAD v4.1: 6 of 1,340,458 alleles (0.00045%); highest among the groups gnomAD compares: East Asian, 0.0059%; no homozygotes.

Submissions (2):

Labcorp Genetics (formerly Invitae), Labcorp
Classification: Uncertain significance for Capillary malformation-arteriovenous malformation syndrome. Last evaluated: 2025-07-21. Review status: criteria provided, single submitter. Criteria: Invitae Variant Classification Sherloc (09022015). Collection method: clinical testing. Allele origin: germline.
Comment: This sequence change replaces arginine, which is basic and polar, with tryptophan, which is neutral and slightly polar, at codon 341 of the RASA1 protein (p.Arg341Trp). This variant is not present in population databases (gnomAD no frequency). This variant has not been reported in the literature in individuals affected with RASA1-related conditions. ClinVar contains an entry for this variant (Variation ID: 2814076). An algorithm developed to predict the effect of missense changes on protein structure and function (PolyPhen-2) suggests that this variant is likely to be disruptive. In summary, the available evidence is currently insufficient to determine the role of this variant in disease. Therefore, it has been classified as a Variant of Uncertain Significance.

Ambry Genetics
Classification: Uncertain significance for Cardiovascular phenotype. Last evaluated: 2024-12-20. Review status: criteria provided, single submitter. Criteria: Ambry Variant Classification Scheme 2023. Collection method: clinical testing. Allele origin: germline.
Comment: The p.R341W variant (also known as c.1021C>T), located in coding exon 6 of the RASA1 gene, results from a C to T substitution at nucleotide position 1021. The arginine at codon 341 is replaced by tryptophan, an amino acid with dissimilar properties. This amino acid position is conserved. In addition, this alteration is predicted to be tolerated by in silico analysis. Based on the available evidence, the clinical significance of this variant remains unclear.

NM_002890.3(RASA1):c.1021C>T (p.Arg341Trp)

Genes: CCNH (cyclin H; minus strand), RASA1 (RAS p21 protein activator 1; plus strand). Cytogenetic location: 5q14.3.
Variant type: single nucleotide variant.
Coding change: c.1021C>T on transcript NM_002890.3 (MANE Select); coding-DNA position 1021, C replaced by T.
Protein change: p.Arg341Trp; replaces arginine 341 with tryptophan.
Molecular consequence: missense variant. On other transcripts: intron variant (1).
Genome position (GRCh38, 1-based): chr5:87,341,293, C>T. VCF-style: chr5-87341293-C-T. GRCh37 (hg19) VCF-style: chr5-86637110-C-T.
Other names: c.490C>T, p.Arg164Trp (NM_022650.3); c.934-28498G>A (NM_001364075.2); short protein forms R341W, R164W.
Identifiers: ClinVar variation 2814076 (VCV002814076.4), dbSNP rs1758423506, ClinGen allele CA360382118.